The following is an entry in ClinVar:

NM_001365999.1(SZT2):c.8518C>G (p.Leu2840Val)

Gene: SZT2 (SZT2 subunit of KICSTOR complex; plus strand). Cytogenetic location: 1p34.2.
Variant type: single nucleotide variant.
Coding change: c.8518C>G on transcript NM_001365999.1 (MANE Select); coding-DNA position 8518, C replaced by G.
Protein change: p.Leu2840Val; replaces leucine 2840 with valine.
Molecular consequence: missense variant.
Genome position (GRCh38, 1-based): chr1:43,443,370, C>G. VCF-style: chr1-43443370-C-G. GRCh37 (hg19) VCF-style: chr1-43909041-C-G.
Other names: c.8347C>G, p.Leu2783Val (NM_015284.4); short protein forms L2783V, L2840V.
Identifiers: ClinVar variation 2010828 (VCV002010828.4), dbSNP rs1431783787, ClinGen allele CA340039461.

ClinVar aggregate classification (germline): Uncertain significance (1 of 4 stars; one submission).

Allele frequency attached by ClinVar (database versions not stated): gnomAD 0.00001.

Submission:

Labcorp Genetics (formerly Invitae), Labcorp
Classification: Uncertain significance. Last evaluated: 2024-11-11. Review status: criteria provided, single submitter. Criteria: Invitae Variant Classification Sherloc (09022015). Collection method: clinical testing. Allele origin: germline.
Comment: This sequence change replaces leucine, which is neutral and non-polar, with valine, which is neutral and non-polar, at codon 2783 of the SZT2 protein (p.Leu2783Val). This variant is present in population databases (no rsID available, gnomAD 0.01%). This variant has not been reported in the literature in individuals affected with SZT2-related conditions. ClinVar contains an entry for this variant (Variation ID: 2010828). Invitae Evidence Modeling of protein sequence and biophysical properties (such as structural, functional, and spatial information, amino acid conservation, physicochemical variation, residue mobility, and thermodynamic stability) indicates that this missense variant is expected to disrupt SZT2 protein function with a positive predictive value of 80%. In summary, the available evidence is currently insufficient to determine the role of this variant in disease. Therefore, it has been classified as a Variant of Uncertain Significance.